The following is an entry in ClinVar:

NM_194454.3(KRIT1):c.596C>G (p.Ser199Ter)

Gene: KRIT1 (KRIT1 ankyrin repeat containing; minus strand). Cytogenetic location: 7q21.2.
Variant type: single nucleotide variant.
Coding change: c.596C>G on transcript NM_194454.3 (MANE Select); coding-DNA position 596, C replaced by G.
Protein change: p.Ser199Ter; replaces serine 199 with a stop codon.
Molecular consequence: nonsense. On other transcripts: missense variant (1).
Genome position (GRCh38, 1-based): chr7:92,235,536, G>C on the plus strand (C>G on the coding strand, the complement: KRIT1 is on the minus strand). VCF-style: chr7-92235536-G-C. GRCh37 (hg19) VCF-style: chr7-91864850-G-C.
Other names: c.596C>G, p.Ser199Ter (NM_001013406.2, NM_001350669.1, NM_001350670.1 and 29 more transcripts); c.13C>G, p.Gln5Glu (NM_001350671.1); short protein forms S199*, Q5E.
Identifiers: ClinVar variation 1451902 (VCV001451902.7), dbSNP rs2131662647, ClinGen allele CA368160719.

ClinVar aggregate classification (germline): Pathogenic. Review status: criteria provided, multiple submitters, no conflicts (2 of 4 stars). 2 submissions from 2 submitters: Pathogenic (2). Last evaluated 2022-11-09.

Conditions:
KRIT1-related disorder. Also called: KRIT1-related disorders; KRIT1-related condition.
Cerebral cavernous malformation (CCM). Also called: Cerebral cavernous hemangioma (type); CAVERNOUS ANGIOMA, FAMILIAL; CAVERNOUS ANGIOMATOUS MALFORMATIONS; Cavernous Hemangioma of Brain; Cerebral cavernous malformations; CEREBRAL CAPILLARY MALFORMATIONS. Identifiers: Orphanet 221061, MedGen C2919945, MONDO:0000820, OMIM 116860, HP:0033522.

Submissions (2):

Labcorp Genetics (formerly Invitae), Labcorp
Classification: Pathogenic for Cerebral cavernous malformation. Last evaluated: 2022-11-09. Review status: criteria provided, single submitter. Criteria: Invitae Variant Classification Sherloc (09022015). Collection method: clinical testing. Allele origin: germline.
Comment: For these reasons, this variant has been classified as Pathogenic. This sequence change creates a premature translational stop signal (p.Ser199*) in the KRIT1 gene. It is expected to result in an absent or disrupted protein product. Loss-of-function variants in KRIT1 are known to be pathogenic (PMID: 10508515, 11222804, 12404106, 24689081). This variant is not present in population databases (gnomAD no frequency). This premature translational stop signal has been observed in individual(s) with cerebral cavernous malformations (PMID: 28000143). ClinVar contains an entry for this variant (Variation ID: 1451902). Algorithms developed to predict the effect of sequence changes on RNA splicing suggest that this variant may disrupt the consensus splice site.

Blueprint Genetics
Classification: Pathogenic for KRIT1-related disorders. Last evaluated: 2020-04-09. Review status: criteria provided, single submitter. Criteria: ACMG Guidelines, 2015. Collection method: clinical testing. Allele origin: germline. Affected: yes. Observed: 2 variant alleles.

Literature cited by the submitters: PubMed 10508515 (cited by Labcorp Genetics (formerly Invitae), Labcorp); PubMed 11222804 (cited by Labcorp Genetics (formerly Invitae), Labcorp); PubMed 12404106 (cited by Labcorp Genetics (formerly Invitae), Labcorp); PubMed 24689081 (cited by Labcorp Genetics (formerly Invitae), Labcorp); PubMed 28000143 (cited by Labcorp Genetics (formerly Invitae), Labcorp).